The following is an entry in ClinVar:

ClinVar aggregate classification (germline): Uncertain significance. Review status: criteria provided, multiple submitters, no conflicts (2 of 4 stars). 2 submissions from 2 submitters: Uncertain significance (2). Last evaluated 2025-03-17.

Allele frequency attached by ClinVar (database versions not stated): ExAC 0.00002; gnomAD exomes 0.00001 and below 0.00001; gnomAD 0.00001; ESP Exome Variant Server 0.00008.

Submissions (2):

Ambry Genetics
Classification: Uncertain significance. Last evaluated: 2025-03-17. Review status: criteria provided, single submitter. Criteria: Ambry Variant Classification Scheme 2023. Collection method: clinical testing. Allele origin: germline.

GeneDx
Classification: Uncertain significance. Last evaluated: 2023-11-07. Review status: criteria provided, single submitter. Criteria: GeneDx Variant Classification Process June 2021. Collection method: clinical testing. Allele origin: germline. Affected: yes.
Comment: Has not been previously published as pathogenic or benign to our knowledge; In silico analysis supports that this missense variant has a deleterious effect on protein structure/function

NM_022463.5(NXN):c.784C>T (p.Arg262Trp)

Gene: NXN (nucleoredoxin; minus strand). Cytogenetic location: 17p13.3.
Variant type: single nucleotide variant.
Coding change: c.784C>T on transcript NM_022463.5 (MANE Select); coding-DNA position 784, C replaced by T.
Protein change: p.Arg262Trp; replaces arginine 262 with tryptophan.
Molecular consequence: missense variant.
Genome position (GRCh38, 1-based): chr17:819,475, G>A on the plus strand (C>T on the coding strand, the complement: NXN is on the minus strand). VCF-style: chr17-819475-G-A. GRCh37 (hg19) VCF-style: chr17-722715-G-A.
Other names: c.460C>T, p.Arg154Trp (NM_001205319.1); short protein forms R154W, R262W.
Identifiers: ClinVar variation 1693052 (VCV001693052.4), dbSNP rs376430578, ClinGen allele CA8264095.
Genomic context (GRCh38, chr17:819,475, plus strand): 5'-GGAGCCGGGGCCTGGAGCGCCTACCTTGGATTCCGTACAGCCGGTTGAGGCGCGACCGCC[G>A]GGCCTCATCCGTGTAGGGGACGGCGAGCCAGGGCATCTCACTGAAGTACTGTTTGAAGGA-3'
Protein context (NP_071908.2, residues 252-272): WLAVPYTDEA[Arg262Trp]RSRLNRLYGI